The following is an entry in ClinVar:

ClinVar aggregate classification (germline): Uncertain significance. Review status: criteria provided, multiple submitters, no conflicts (2 of 4 stars). 6 submissions from 5 submitters: Uncertain significance (5). 1 of the submissions does not count toward it. Last evaluated 2023-11-04.

Conditions:
Retinitis pigmentosa 39 (RP39). Identifiers: Orphanet 791, MedGen C3151138, MONDO:0013436, OMIM 613809.
Usher syndrome type 2A. Also called: USHER SYNDROME, TYPE IIA; RETINAL DISEASE IN USHER SYNDROME TYPE IIA, MODIFIER OF. Identifiers: Orphanet 231178, Orphanet 886, MedGen C1848634, MONDO:0010169, OMIM 276901.

Allele frequency attached by ClinVar (database versions not stated): TOPMed below 0.00001.
gnomAD v4.1: 1 of 1,612,616 alleles (0.000062%); highest among the groups gnomAD compares: Non-Finnish European, 0.000085%; no homozygotes.

Submissions (6):

Genome-Nilou Lab
Classification: Uncertain significance for Retinitis pigmentosa 39. Last evaluated: 2023-11-04. Review status: criteria provided, single submitter. Criteria: ACMG Guidelines, 2015. Collection method: clinical testing. Allele origin: germline. Affected: no.

Genome-Nilou Lab
Classification: Uncertain significance for Usher syndrome type 2A. Last evaluated: 2023-11-04. Review status: criteria provided, single submitter. Criteria: ACMG Guidelines, 2015. Collection method: clinical testing. Allele origin: germline. Affected: no.

Labcorp Genetics (formerly Invitae), Labcorp
Classification: Uncertain significance. Last evaluated: 2022-02-09. Review status: criteria provided, single submitter. Criteria: Invitae Variant Classification Sherloc (09022015). Collection method: clinical testing. Allele origin: germline.
Comment: This sequence change replaces leucine, which is neutral and non-polar, with tryptophan, which is neutral and slightly polar, at codon 1752 of the USH2A protein (p.Leu1752Trp). This variant is not present in population databases (gnomAD no frequency). This missense change has been observed in individual(s) with USH2A-related conditions (Invitae). ClinVar contains an entry for this variant (Variation ID: 811931). Algorithms developed to predict the effect of missense changes on protein structure and function (SIFT, PolyPhen-2, Align-GVGD) all suggest that this variant is likely to be disruptive. In summary, the available evidence is currently insufficient to determine the role of this variant in disease. Therefore, it has been classified as a Variant of Uncertain Significance.

Blueprint Genetics
Classification: Uncertain significance. Last evaluated: 2020-02-18. Review status: criteria provided, single submitter. Criteria: ACMG Guidelines, 2015. Collection method: clinical testing. Allele origin: germline.

ARUP Laboratories, Molecular Genetics and Genomics, ARUP Laboratories
Classification: Uncertain significance. Last evaluated: 2019-03-18. Review status: criteria provided, single submitter. Criteria: ARUP Molecular Germline Variant Investigation Process. Collection method: clinical testing. Allele origin: germline.
Comment: The USH2A c.5255T>G; p.Leu1752Trp variant (rs1469348824), to our knowledge, is not reported in the medical literature or gene-specific databases. This variant is also absent from general population databases (1000 Genomes Project, Exome Variant Server, and Genome Aggregation Database), indicating it is not a common polymorphism. The amino acid at this position is moderately conserved and computational algorithms (PolyPhen-2, SIFT) predict this variant is deleterious. Due to limited information, the clinical significance of this variant is uncertain at this time.

Natera, Inc.
Classification: Uncertain significance for Usher syndrome type 2A. Last evaluated: 2020-12-27. Review status: no assertion criteria provided. Collection method: clinical testing. Allele origin: germline. Not counted in ClinVar's aggregate classification.

NM_206933.4(USH2A):c.5255T>G (p.Leu1752Trp)

Genes: USH2A (usherin; minus strand), USH2A-AS2 (USH2A antisense RNA 2; plus strand). Cytogenetic location: 1q41.
Variant type: single nucleotide variant.
Coding change: c.5255T>G on transcript NM_206933.4 (MANE Select); coding-DNA position 5255, T replaced by G.
Protein change: p.Leu1752Trp; replaces leucine 1752 with tryptophan.
Molecular consequence: missense variant.
Genome position (GRCh38, 1-based): chr1:216,083,499, A>C on the plus strand (T>G on the coding strand, the complement: USH2A is on the minus strand). VCF-style: chr1-216083499-A-C. GRCh37 (hg19) VCF-style: chr1-216256841-A-C.
Other names: short protein forms L1752W.
Identifiers: ClinVar variation 811931 (VCV000811931.18), dbSNP rs1469348824, ClinGen allele CA344857914.